The following is an entry in ClinVar:

NM_016417.3(GLRX5):c.154G>A (p.Asp52Asn)

Gene: GLRX5 (glutaredoxin 5; plus strand). Cytogenetic location: 14q32.13.
Variant type: single nucleotide variant.
Coding change: c.154G>A on transcript NM_016417.3 (MANE Select); coding-DNA position 154, G replaced by A.
Protein change: p.Asp52Asn; replaces aspartic acid 52 with asparagine.
Molecular consequence: missense variant.
Genome position (GRCh38, 1-based): chr14:95,535,243, G>A. VCF-style: chr14-95535243-G-A. GRCh37 (hg19) VCF-style: chr14-96001580-G-A.
Other names: c.154G>A (NM_016417.2); short protein forms D52N.
Identifiers: ClinVar variation 1038865 (VCV001038865.6), dbSNP rs757690699, ClinGen allele CA7333886.
Genomic context (GRCh38, chr14:95,535,243, plus strand): 5'-GCGGGCTCGGGCGCGGGCGGCGGCGGCTCGGCGGAGCAGTTGGACGCGCTGGTGAAGAAG[G>A]ACAAGGTGGTGGTCTTCCTCAAGGGGACGCCGGAGCAGCCCCAGTGCGGCTTCAGCAACG-3'
Protein context (NP_057501.2, residues 42-62): AEQLDALVKK[Asp52Asn]KVVVFLKGTP

ClinVar aggregate classification (germline): Uncertain significance. Review status: criteria provided, multiple submitters, no conflicts (2 of 4 stars). 2 submissions from 2 submitters: Uncertain significance (2). Last evaluated 2023-11-21.

Allele frequency attached by ClinVar (database versions not stated): gnomAD exomes 0.00003; ExAC 0.00010; gnomAD 0.00012 and 0.00015; TOPMed 0.00019.

Submissions (2):

Ambry Genetics
Classification: Uncertain significance. Last evaluated: 2023-11-21. Review status: criteria provided, single submitter. Criteria: Ambry Variant Classification Scheme 2023. Collection method: clinical testing. Allele origin: germline.

Labcorp Genetics (formerly Invitae), Labcorp
Classification: Uncertain significance. Last evaluated: 2022-02-05. Review status: criteria provided, single submitter. Criteria: Invitae Variant Classification Sherloc (09022015). Collection method: clinical testing. Allele origin: germline.
Comment: This sequence change replaces aspartic acid, which is acidic and polar, with asparagine, which is neutral and polar, at codon 52 of the GLRX5 protein (p.Asp52Asn). This variant is present in population databases (rs757690699, gnomAD 0.05%). This variant has not been reported in the literature in individuals affected with GLRX5-related conditions. ClinVar contains an entry for this variant (Variation ID: 1038865). Algorithms developed to predict the effect of missense changes on protein structure and function output the following: SIFT: "Tolerated"; PolyPhen-2: "Not Available"; Align-GVGD: "Class C0". The asparagine amino acid residue is found in multiple mammalian species, which suggests that this missense change does not adversely affect protein function. In summary, the available evidence is currently insufficient to determine the role of this variant in disease. Therefore, it has been classified as a Variant of Uncertain Significance.